The following is an entry in ClinVar:

NM_001303052.2(MYT1L):c.1807del (p.Arg603fs)

Gene: MYT1L (myelin transcription factor 1 like; minus strand). Cytogenetic location: 2p25.3.
Variant type: Deletion.
Coding change: c.1807del on transcript NM_001303052.2 (MANE Select); coding-DNA position 1807, one base deleted (C; older notation c.1807delC).
Protein change: p.Arg603fs; shifts the reading frame from arginine 603.
Molecular consequence: frameshift variant.
Genome position (GRCh38, 1-based): chr2:1,910,250, G deleted on the plus strand (C on the coding strand, the reverse complement: MYT1L is on the minus strand); the first of 2 consecutive G bases (chr2:1,910,250-1,910,251); deleting either gives the same sequence. VCF-style (leftmost placement, unchanged base first): chr2-1910249-CG-C. GRCh37 (hg19) VCF-style: chr2-1914021-CG-C.
Other names: c.1807del, p.Arg603fs (NM_001329845.1, NM_001329851.3, NM_001329844.2); c.1801del, p.Arg601fs (NM_001329846.3, NM_001329847.2, NM_001329848.1 and 3 more transcripts); short protein forms R601fs, R603fs.
Identifiers: ClinVar variation 1064796 (VCV001064796.4), dbSNP rs2149016192, ClinGen allele CA2499215551.
Genomic context (GRCh38, chr2:1,910,249, plus strand): 5'-GTGGGGCAGACTATGGATAGAGCTCACGGATGGTGCACTCCTGCTGGGTACCTGAGCACG[CG>C]GTCCGAGGCCTGGCTGGACTTGGACACGTCGCAGCTCTGGTGCTTTTCCTGTGCCTTGGC-3'

ClinVar aggregate classification (germline): Pathogenic. Review status: criteria provided, multiple submitters, no conflicts (2 of 4 stars). 2 submissions from 2 submitters: Pathogenic (2). Last evaluated 2022-09-21.

Conditions:
Neurodevelopmental disorder. Identifiers: MedGen C1535926, MeSH D065886, MONDO:0700092.
Intellectual developmental disorder, autosomal dominant 39. Also called: Intellectual disability, autosomal dominant 39; Mental retardation, autosomal dominant 39. Identifiers: MedGen C4225296, MONDO:0014678, OMIM 616521.

Submissions (2):

Greenwood Genetic Center Diagnostic Laboratories, Greenwood Genetic Center
Classification: Pathogenic for Intellectual developmental disorder, autosomal dominant 39. Last evaluated: 2022-09-21. Review status: criteria provided, single submitter. Criteria: ACMG Guidelines, 2015. Collection method: clinical testing. Allele origin: germline. Affected: yes.
Comment: PVS1, PM2, PM6

Laboratory of Molecular Genetics (Pr. Bezieau's lab), CHU de Nantes
Classification: Pathogenic for Neurodevelopmental disorder. Last evaluated: 2020-11-10. Review status: criteria provided, single submitter. Criteria: ACMG Guidelines, 2015. Collection method: clinical testing. Allele origin: germline. Affected: yes.